The following is an entry in ClinVar:

NM_024741.3(ZNF408):c.1961C>T (p.Ala654Val)

Gene: ZNF408 (zinc finger protein 408; plus strand). Cytogenetic location: 11p11.2.
Variant type: single nucleotide variant.
Coding change: c.1961C>T on transcript NM_024741.3 (MANE Select); coding-DNA position 1961, C replaced by T.
Protein change: p.Ala654Val; replaces alanine 654 with valine.
Molecular consequence: missense variant.
Genome position (GRCh38, 1-based): chr11:46,705,661, C>T. VCF-style: chr11-46705661-C-T. GRCh37 (hg19) VCF-style: chr11-46727211-C-T.
Other names: c.1937C>T, p.Ala646Val (NM_001184751.2); short protein forms A654V, A646V.
Identifiers: ClinVar variation 1405125 (VCV001405125.6), dbSNP rs2134511698, ClinGen allele CA380257884.

ClinVar aggregate classification (germline): Uncertain significance (1 of 4 stars; one submission).

Submission:

Labcorp Genetics (formerly Invitae), Labcorp
Classification: Uncertain significance. Last evaluated: 2022-07-12. Review status: criteria provided, single submitter. Criteria: Invitae Variant Classification Sherloc (09022015). Collection method: clinical testing. Allele origin: germline.
Comment: ClinVar contains an entry for this variant (Variation ID: 1405125). This sequence change replaces alanine, which is neutral and non-polar, with valine, which is neutral and non-polar, at codon 654 of the ZNF408 protein (p.Ala654Val). This variant is not present in population databases (gnomAD no frequency). This variant has not been reported in the literature in individuals affected with ZNF408-related conditions. Algorithms developed to predict the effect of missense changes on protein structure and function are either unavailable or do not agree on the potential impact of this missense change (SIFT: "Deleterious"; PolyPhen-2: "Benign"; Align-GVGD: "Class C0"). Algorithms developed to predict the effect of sequence changes on RNA splicing suggest that this variant may create or strengthen a splice site. In summary, the available evidence is currently insufficient to determine the role of this variant in disease. Therefore, it has been classified as a Variant of Uncertain Significance.